The following is an entry in ClinVar:

NM_005733.3(KIF20A):c.884C>G (p.Ala295Gly)

Gene: KIF20A (kinesin family member 20A; plus strand). Cytogenetic location: 5q31.2.
Variant type: single nucleotide variant.
Coding change: c.884C>G on transcript NM_005733.3 (MANE Select); coding-DNA position 884, C replaced by G.
Protein change: p.Ala295Gly; replaces alanine 295 with glycine.
Molecular consequence: missense variant.
Genome position (GRCh38, 1-based): chr5:138,183,220, C>G. VCF-style: chr5-138183220-C-G. GRCh37 (hg19) VCF-style: chr5-137518909-C-G.
Other names: short protein forms A295G.
Identifiers: ClinVar variation 3625988 (VCV003625988.2).

ClinVar aggregate classification (germline): Uncertain significance (1 of 4 stars; one submission).

Submission:

Labcorp Genetics (formerly Invitae), Labcorp
Classification: Uncertain significance. Last evaluated: 2024-12-30. Review status: criteria provided, single submitter. Criteria: Invitae Variant Classification Sherloc (09022015). Collection method: clinical testing. Allele origin: germline.
Comment: This sequence change replaces alanine, which is neutral and non-polar, with glycine, which is neutral and non-polar, at codon 295 of the KIF20A protein (p.Ala295Gly). This variant is not present in population databases (gnomAD no frequency). This variant has not been reported in the literature in individuals affected with KIF20A-related conditions. An algorithm developed to predict the effect of missense changes on protein structure and function (PolyPhen-2) suggests that this variant is likely to be tolerated. In summary, the available evidence is currently insufficient to determine the role of this variant in disease. Therefore, it has been classified as a Variant of Uncertain Significance.